The following is an entry in ClinVar:

ClinVar aggregate classification (germline): Uncertain significance (1 of 4 stars; one submission).

Submission:

GeneDx
Classification: Uncertain significance. Last evaluated: 2026-02-09. Review status: criteria provided, single submitter. Criteria: GeneDx Variant Classification Process June 2021. Collection method: clinical testing. Allele origin: germline.
Comment: Not observed at significant frequency in large population cohorts (gnomAD); In silico analysis suggests that this missense variant does not alter protein structure/function; Has not been previously published as pathogenic or benign to our knowledge

NM_001923.5(DDB1):c.1476G>C (p.Glu492Asp)

Gene: DDB1 (damage specific DNA binding protein 1; minus strand). Cytogenetic location: 11q12.2.
Variant type: single nucleotide variant.
Coding change: c.1476G>C on transcript NM_001923.5 (MANE Select); coding-DNA position 1476, G replaced by C.
Protein change: p.Glu492Asp; replaces glutamic acid 492 with aspartic acid.
Molecular consequence: missense variant.
Genome position (GRCh38, 1-based): chr11:61,314,421, C>G on the plus strand (G>C on the coding strand, the complement: DDB1 is on the minus strand). VCF-style: chr11-61314421-C-G. GRCh37 (hg19) VCF-style: chr11-61081893-C-G.
Other names: short protein forms E492D.
Identifiers: ClinVar variation 2576656 (VCV002576656.2), dbSNP rs2539671347, ClinGen allele CA380663367.
Genomic context (GRCh38, chr11:61,314,421, plus strand): 5'-TACAGCCACCACCACCTGGCTGCTATTGCAGGAGGCCACACTGATGTTCTTGGCCTGAGG[C>G]TCCTTCCATTCACTGACCAGAGCTTTGGGTTCTTGAGAGACCAACCTCACCGATGCTGAA-3'
Protein context (NP_001914.3, residues 482-502): EPKALVSEWK[Glu492Asp]PQAKNISVAS